The following is an entry in ClinVar:

ClinVar aggregate classification (germline): Uncertain significance (1 of 4 stars; one submission).

Submission:

GeneDx
Classification: Uncertain significance. Last evaluated: 2023-07-01. Review status: criteria provided, single submitter. Criteria: GeneDx Variant Classification Process June 2021. Collection method: clinical testing. Allele origin: germline. Affected: yes.
Comment: Not observed at significant frequency in large population cohorts (gnomAD); In silico analysis supports that this missense variant does not alter protein structure/function; Has not been previously published as pathogenic or benign to our knowledge

NM_015057.5(MYCBP2):c.6502G>A (p.Val2168Ile)

Gene: MYCBP2 (MYC binding protein 2; minus strand). Cytogenetic location: 13q22.3.
Variant type: single nucleotide variant.
Coding change: c.6502G>A on transcript NM_015057.5 (MANE Select); coding-DNA position 6502, G replaced by A.
Protein change: p.Val2168Ile; replaces valine 2168 with isoleucine.
Molecular consequence: missense variant.
Genome position (GRCh38, 1-based): chr13:77,164,499, C>T on the plus strand (G>A on the coding strand, the complement: MYCBP2 is on the minus strand). VCF-style: chr13-77164499-C-T. GRCh37 (hg19) VCF-style: chr13-77738634-C-T.
Other names: short protein forms V2168I.
Identifiers: ClinVar variation 3360378 (VCV003360378.1).